The following is an entry in ClinVar:

ClinVar aggregate classification (germline): Uncertain significance (1 of 4 stars; one submission).

Conditions:
Familial cancer of breast. Also called: BREAST CANCER, FAMILIAL; hereditary breast carcinoma; Hereditary breast cancer. Identifiers: Orphanet 227535, MedGen C0346153, MONDO:0016419, OMIM 114480. Disease mechanism: loss of function.

gnomAD v4.1: 1 of 1,612,002 alleles (0.000062%); highest among the groups gnomAD compares: South Asian, 0.0011%; no homozygotes.

Submission:

Labcorp Genetics (formerly Invitae), Labcorp
Classification: Uncertain significance for Familial cancer of breast. Last evaluated: 2023-06-07. Review status: criteria provided, single submitter. Criteria: Invitae Variant Classification Sherloc (09022015). Collection method: clinical testing. Allele origin: germline.
Comment: This sequence change replaces proline, which is neutral and non-polar, with glutamine, which is neutral and polar, at codon 89 of the BARD1 protein (p.Pro89Gln). This variant is present in population databases (no rsID available, gnomAD 0.003%). This variant has not been reported in the literature in individuals affected with BARD1-related conditions. An algorithm developed to predict the effect of missense changes on protein structure and function (PolyPhen-2) suggests that this variant is likely to be disruptive. In summary, the available evidence is currently insufficient to determine the role of this variant in disease. Therefore, it has been classified as a Variant of Uncertain Significance.

NM_000465.4(BARD1):c.266C>A (p.Pro89Gln)

Gene: BARD1 (BRCA1 associated RING domain 1; minus strand). Cytogenetic location: 2q35.
Variant type: single nucleotide variant.
Coding change: c.266C>A on transcript NM_000465.4 (MANE Select); coding-DNA position 266, C replaced by A.
Protein change: p.Pro89Gln; replaces proline 89 with glutamine.
Molecular consequence: missense variant. On other transcripts: non-coding transcript variant (1), intron variant (2).
Genome position (GRCh38, 1-based): chr2:214,792,395, G>T on the plus strand (C>A on the coding strand, the complement: BARD1 is on the minus strand). VCF-style: chr2-214792395-G-T. GRCh37 (hg19) VCF-style: chr2-215657119-G-T.
Other names: c.209C>A, p.Pro70Gln (NM_001282543.2); c.266C>A, p.Pro89Gln (NM_001282549.2); c.158+17017C>A (NM_001282548.2); c.215+4666C>A (NM_001282545.2); short protein forms P89Q, P70Q.
Identifiers: ClinVar variation 2752493 (VCV002752493.3), dbSNP rs780241203, ClinGen allele CA350461147.
Genomic context (GRCh38, chr2:214,792,395, plus strand): 5'-CTACAAAGTTGAATCATGCTGTCCAGTTGTCTATTTATCTTCAAGTCTTGTATCCAGGCC[G>T]GGGTGTAACACACTGGACATCCAGTTCCAATGCAGTCACTTACACAATTACTTTAAAATA-3'
Protein context (NP_000456.2, residues 79-99): IGTGCPVCYT[Pro89Gln]AWIQDLKINR